The following is an entry in ClinVar:

NM_006269.2(RP1):c.2596T>G (p.Leu866Val)

Gene: RP1 (RP1 axonemal microtubule associated; plus strand). Cytogenetic location: 8q12.1.
Variant type: single nucleotide variant.
Coding change: c.2596T>G on transcript NM_006269.2 (MANE Select); coding-DNA position 2596, T replaced by G.
Protein change: p.Leu866Val; replaces leucine 866 with valine.
Molecular consequence: missense variant. On other transcripts: intron variant (1).
Genome position (GRCh38, 1-based): chr8:54,626,478, T>G. VCF-style: chr8-54626478-T-G. GRCh37 (hg19) VCF-style: chr8-55539038-T-G.
Other names: c.787+4190T>G (NM_001375654.1); short protein forms L866V.
Identifiers: ClinVar variation 2999608 (VCV002999608.3), dbSNP rs749729142, ClinGen allele CA4751562.
Genomic context (GRCh38, chr8:54,626,478, plus strand): 5'-TATTTGAGAGGAATGGCAAAGAAGAGTTTAGTTTCAAAAGTTACTGATTCACACATAACT[T>G]TAAAAAGCCAGAAAAAACGTAAAGGGGATAAAGTGAAAGCAAGTGCTATTTTAAGTAAAC-3'
Protein context (NP_006260.1, residues 856-876): VSKVTDSHIT[Leu866Val]KSQKKRKGDK

ClinVar aggregate classification (germline): Uncertain significance (1 of 4 stars; one submission).

Allele frequency attached by ClinVar (database versions not stated): gnomAD exomes below 0.00001; ExAC 0.00001.
gnomAD v4.1: 2 of 1,613,672 alleles (0.00012%); highest among the groups gnomAD compares: Non-Finnish European, 0.00017%; no homozygotes.

Submission:

Labcorp Genetics (formerly Invitae), Labcorp
Classification: Uncertain significance. Last evaluated: 2023-11-28. Review status: criteria provided, single submitter. Criteria: Invitae Variant Classification Sherloc (09022015). Collection method: clinical testing. Allele origin: germline.
Comment: This sequence change replaces leucine, which is neutral and non-polar, with valine, which is neutral and non-polar, at codon 866 of the RP1 protein (p.Leu866Val). This variant is present in population databases (rs749729142, gnomAD 0.002%). This variant has not been reported in the literature in individuals affected with RP1-related conditions. An algorithm developed to predict the effect of missense changes on protein structure and function (PolyPhen-2) suggests that this variant is likely to be tolerated. In summary, the available evidence is currently insufficient to determine the role of this variant in disease. Therefore, it has been classified as a Variant of Uncertain Significance.